The following is an entry in ClinVar:

ClinVar aggregate classification (germline): Uncertain significance (1 of 4 stars; one submission).

Conditions:
Norman-Roberts syndrome (LIS2). Also called: Lissencephaly 2 (Norman-Roberts type). Identifiers: Orphanet 89844, MedGen C0796089, MONDO:0009760, OMIM 257320.
Familial temporal lobe epilepsy 7. Identifiers: Orphanet 101046, MedGen C4225327, MONDO:0014639, OMIM 616436.

Submission:

Labcorp Genetics (formerly Invitae), Labcorp
Classification: Uncertain significance for Familial temporal lobe epilepsy 7; Norman-Roberts syndrome. Last evaluated: 2024-01-25. Review status: criteria provided, single submitter. Criteria: Invitae Variant Classification Sherloc (09022015). Collection method: clinical testing. Allele origin: germline.
Comment: This variant, c.4177_4179dup, results in the insertion of 1 amino acid(s) of the RELN protein (p.Ser1394dup), but otherwise preserves the integrity of the reading frame. This variant is not present in population databases (gnomAD no frequency). This variant has not been reported in the literature in individuals affected with RELN-related conditions. ClinVar contains an entry for this variant (Variation ID: 850625). Experimental studies and prediction algorithms are not available or were not evaluated, and the functional significance of this variant is currently unknown. In summary, the available evidence is currently insufficient to determine the role of this variant in disease. Therefore, it has been classified as a Variant of Uncertain Significance.

NM_005045.4(RELN):c.4174AGC[3] (p.Ser1394dup)

Gene: RELN (reelin; minus strand). Cytogenetic location: 7q22.1.
Variant type: Microsatellite.
Coding change: c.4174AGC[3] on transcript NM_005045.4 (MANE Select); three copies in a row of the 3-base unit AGC starting at c.4174; the reference has two copies in a row; one copy, 3 bases duplicated.
Protein change: p.Ser1394dup; duplicates serine 1394.
Molecular consequence: inframe insertion.
Genome position (GRCh38, 1-based): chr7:103,575,672-103,575,674, GCT duplicated on the plus strand (AGC on the coding strand, the reverse complement: RELN is on the minus strand); duplicating any 3 consecutive bases within chr7:103,575,672-103,575,677 gives the same sequence; the position shown is the placement nearest the transcript's 3' end. VCF-style (leftmost placement, unchanged base first): chr7-103575671-A-AGCT. GRCh37 (hg19) VCF-style: chr7-103216118-A-AGCT.
Other names: c.4174AGC[3], p.Ser1394dup (NM_173054.3).
Identifiers: ClinVar variation 850625 (VCV000850625.10), dbSNP rs1478314996, ClinGen allele CA830812626.